The following is an entry in ClinVar:

NM_203447.4(DOCK8):c.1565G>C (p.Cys522Ser)

Gene: DOCK8 (dedicator of cytokinesis 8; plus strand). Cytogenetic location: 9p24.3.
Variant type: single nucleotide variant.
Coding change: c.1565G>C on transcript NM_203447.4 (MANE Select); coding-DNA position 1565, G replaced by C.
Protein change: p.Cys522Ser; replaces cysteine 522 with serine.
Molecular consequence: missense variant.
Genome position (GRCh38, 1-based): chr9:340,207, G>C. VCF-style: chr9-340207-G-C. GRCh37 (hg19) VCF-style: chr9-340207-G-C.
Other names: c.1361G>C, p.Cys454Ser (NM_001190458.2, NM_001193536.2); short protein forms C454S, C522S.
Identifiers: ClinVar variation 4768260 (VCV004768260.1).
Genomic context (GRCh38, chr9:340,207, plus strand): 5'-TTCTCTCTTTAGGCTTGCTAAGACTGGAGATTTCTACAGCTCCAGAGATCATCAATTGCT[G>C]TCTGACTCCTGAAATGCTGCCCGTGAAACCCTTTCCTGAAAACCGGACACGCCCGCACAA-3'
Protein context (NP_982272.2, residues 512-532): ISTAPEIINC[Cys522Ser]LTPEMLPVKP

ClinVar aggregate classification (germline): Uncertain significance (1 of 4 stars; one submission).

Conditions:
Combined immunodeficiency due to DOCK8 deficiency (HIES2). Also called: HIES autosomal recessive; Hyper-IgE recurrent infection syndrome, autosomal recessive; HYPER-IgE RECURRENT INFECTION SYNDROME 2, AUTOSOMAL RECESSIVE; HYPER-IgE SYNDROME 2, AUTOSOMAL RECESSIVE, WITH RECURRENT INFECTIONS; DOCK8 Deficiency. Identifiers: Orphanet 217390, MedGen C4722305, MONDO:0009478, OMIM 243700.

gnomAD v4.1: 2 of 1,614,086 alleles (0.00012%); highest among the groups gnomAD compares: Non-Finnish European, 0.00017%; no homozygotes.

Submission:

Labcorp Genetics (formerly Invitae), Labcorp
Classification: Uncertain significance for Combined immunodeficiency due to DOCK8 deficiency. Last evaluated: 2025-12-22. Review status: criteria provided, single submitter. Criteria: Invitae Variant Classification Sherloc (09022015). Collection method: clinical testing. Allele origin: germline.
Comment: This sequence change replaces cysteine, which is neutral and slightly polar, with serine, which is neutral and polar, at codon 522 of the DOCK8 protein (p.Cys522Ser). This variant is not present in population databases (gnomAD no frequency). This variant has not been reported in the literature in individuals affected with DOCK8-related conditions. Invitae Evidence Modeling of protein sequence and biophysical properties (such as structural, functional, and spatial information, amino acid conservation, physicochemical variation, residue mobility, and thermodynamic stability) indicates that this missense variant is not expected to disrupt DOCK8 protein function with a negative predictive value of 80%. In summary, the available evidence is currently insufficient to determine the role of this variant in disease. Therefore, it has been classified as a Variant of Uncertain Significance.